The following is an entry in ClinVar:

NM_001243133.2(NLRP3):c.2493-40G>A

Gene: NLRP3 (NLR family pyrin domain containing 3; plus strand). Cytogenetic location: 1q44.
Variant type: single nucleotide variant.
Coding change: c.2493-40G>A on transcript NM_001243133.2 (MANE Select); 40 bases into the intron before coding-DNA position 2493, G replaced by A.
Molecular consequence: intron variant.
Genome position (GRCh38, 1-based): chr1:247,435,930, G>A. VCF-style: chr1-247435930-G-A. GRCh37 (hg19) VCF-style: chr1-247599232-G-A.
Other names: c.2499-40G>A (NM_004895.5); c.2492+1657G>A (NM_001127461.3); c.2322-40G>A (NM_001127462.3); c.2321+1657G>A (NM_183395.3); c.2493-40G>A (NM_001079821.3).
Identifiers: ClinVar variation 1259697 (VCV001259697.5), dbSNP rs10754557, ClinGen allele CA1495275.
Genomic context (GRCh38, chr1:247,435,930, plus strand): 5'-TGTAAACTGGAGTAGAGGCAGTGGCAGGTACGGGTGCTTCCTTGTCCATGGTGGAGCGTG[G>A]GTGAGAGACATGACTGACATTCTGCCATCTCTATGGAAGGTTGGTCAGCTGCTGCCTCAC-3'

ClinVar aggregate classification (germline): Benign. Review status: criteria provided, multiple submitters, no conflicts (2 of 4 stars). 3 submissions from 3 submitters: Benign (3). Last evaluated 2023-11-12.

Allele frequency attached by ClinVar (database versions not stated): 1000 Genomes Project 30x 0.47111; 1000 Genomes Project 0.48403; TOPMed 0.49252; ESP Exome Variant Server 0.49685; gnomAD 0.50722 and 0.51441; ExAC 0.58604; gnomAD exomes 0.59150 and 0.61585.
gnomAD v4.1: 972,566 of 1,604,220 alleles (61%); highest among the groups gnomAD compares: East Asian, 70%; 301,622 homozygotes.

Submissions (3):

Unidad de Genómica Garrahan, Hospital de Pediatría Garrahan
Classification: Benign. Last evaluated: 2023-11-12. Review status: criteria provided, single submitter. Criteria: ACMG Guidelines, 2015. Collection method: clinical testing. Allele origin: germline. Affected: no. Observed: 71 variant alleles.
Comment: This variant is classified as Benign based on local population frequency. This variant was detected in 74% of patients studied by a panel of primary immunodeficiencies. Number of patients: 71. Only high quality variants are reported.

GeneDx
Classification: Benign. Last evaluated: 2015-03-03. Review status: criteria provided, single submitter. Criteria: GeneDx Variant Classification Process June 2021. Collection method: clinical testing. Allele origin: germline. Affected: yes.

Breakthrough Genomics
Classification: Benign. Review status: criteria provided, single submitter. Criteria: ACMG Guidelines, 2015. Collection method: not provided. Allele origin: germline. Inheritance: Autosomal dominant inheritance. Affected: yes.